The following is an entry in ClinVar:

NM_002386.4(MC1R):c.181G>A (p.Ala61Thr)

Gene: MC1R (melanocortin 1 receptor; plus strand). Cytogenetic location: 16q24.3.
Variant type: single nucleotide variant.
Coding change: c.181G>A on transcript NM_002386.4 (MANE Select); coding-DNA position 181, G replaced by A.
Protein change: p.Ala61Thr; replaces alanine 61 with threonine.
Molecular consequence: missense variant.
Genome position (GRCh38, 1-based): chr16:89,919,439, G>A. VCF-style: chr16-89919439-G-A. GRCh37 (hg19) VCF-style: chr16-89985847-G-A.
Other names: c.181G>A (NM_002386.3); short protein forms A61T.
Identifiers: ClinVar variation 2758892 (VCV002758892.4), dbSNP rs1374244663, ClinGen allele CA397459756.

ClinVar aggregate classification (germline): Conflicting classifications of pathogenicity. Review status: criteria provided, conflicting classifications (1 of 4 stars). 2 submissions from 2 submitters: Uncertain significance (1); Likely benign (1). Last evaluated 2025-08-30.

Conditions:
Melanoma, cutaneous malignant, susceptibility to, 5. Also called: Cutaneous malignant melanoma 5. Identifiers: Orphanet 618, MedGen C2751295, MONDO:0013133, OMIM 613099.

Allele frequency attached by ClinVar (database versions not stated): gnomAD 0.00001; TOPMed 0.00001.

Submissions (2):

Labcorp Genetics (formerly Invitae), Labcorp
Classification: Uncertain significance for Melanoma, cutaneous malignant, susceptibility to, 5. Last evaluated: 2025-08-30. Review status: criteria provided, single submitter. Criteria: Invitae Variant Classification Sherloc (09022015). Collection method: clinical testing. Allele origin: germline.
Comment: This sequence change replaces alanine, which is neutral and non-polar, with threonine, which is neutral and polar, at codon 61 of the MC1R protein (p.Ala61Thr). The frequency data for this variant in the population databases is considered unreliable, as metrics indicate poor data quality at this position in the gnomAD database. This variant has not been reported in the literature in individuals affected with MC1R-related conditions. ClinVar contains an entry for this variant (Variation ID: 2758892). Invitae Evidence Modeling of protein sequence and biophysical properties (such as structural, functional, and spatial information, amino acid conservation, physicochemical variation, residue mobility, and thermodynamic stability) indicates that this missense variant is not expected to disrupt MC1R protein function with a negative predictive value of 80%. In summary, the available evidence is currently insufficient to determine the role of this variant in disease. Therefore, it has been classified as a Variant of Uncertain Significance.

Ambry Genetics
Classification: Likely benign. Last evaluated: 2024-11-30. Review status: criteria provided, single submitter. Criteria: Ambry Variant Classification Scheme 2023. Collection method: clinical testing. Allele origin: germline.